The following is an entry in ClinVar:

ClinVar aggregate classification (germline): Likely pathogenic (1 of 4 stars; one submission).

Conditions:
Leukodystrophy, hypomyelinating, 15. Identifiers: MedGen C4693733, MONDO:0054782, OMIM 617951.

Submission:

Diagnostics Services (NGS), CSIR - Centre For Cellular And Molecular Biology
Classification: Likely pathogenic for Leukodystrophy, hypomyelinating, 15. Last evaluated: 2026-06-11. Review status: criteria provided, single submitter. Criteria: ACMG Guidelines, 2015. Collection method: clinical testing. Allele origin: germline. Affected: no. Observed: 1 variant allele, 1 heterozygote.

NM_004446.3(EPRS1):c.1911del (p.Asp638fs)

Gene: EPRS1 (glutamyl-prolyl-tRNA synthetase 1; minus strand). Cytogenetic location: 1q41.
Variant type: Deletion.
Coding change: c.1911del on transcript NM_004446.3 (MANE Select); coding-DNA position 1911, one base deleted (A; older notation c.1911delA).
Protein change: p.Asp638fs; shifts the reading frame from aspartic acid 638.
Molecular consequence: frameshift variant.
Genome position (GRCh38, 1-based): chr1:220,006,145, T deleted on the plus strand (A on the coding strand, the reverse complement: EPRS1 is on the minus strand); the first of 4 consecutive T bases (chr1:220,006,145-220,006,148); deleting any one gives the same sequence. VCF-style (leftmost placement, unchanged base first): chr1-220006144-CT-C. GRCh37 (hg19) VCF-style: chr1-220179486-CT-C.
Other names: short protein forms D638fs.
Identifiers: ClinVar variation 4884492 (VCV004884492.1).